The following is an entry in ClinVar:

NM_001165963.4(SCN1A):c.2292T>A (p.Val764=)

Gene: SCN1A (sodium voltage-gated channel alpha subunit 1; minus strand). Cytogenetic location: 2q24.3.
Variant type: single nucleotide variant.
Coding change: c.2292T>A on transcript NM_001165963.4 (MANE Select); coding-DNA position 2292, T replaced by A.
Protein change: p.Val764=; no amino-acid change (valine 764 retained).
Molecular consequence: synonymous variant. On other transcripts: 5 prime UTR variant (1), non-coding transcript variant (1).
Genome position (GRCh38, 1-based): chr2:166,041,354, A>T on the plus strand (T>A on the coding strand, the complement: SCN1A is on the minus strand). VCF-style: chr2-166041354-A-T. GRCh37 (hg19) VCF-style: chr2-166897864-A-T.
Other names: p.V764V:GTT>GTA; c.2208T>A, p.Val736= (NM_001165964.3, NM_001353957.2, NM_001353958.2); c.2292T>A, p.Val764= (NM_001202435.3, NM_001353948.2); c.2259T>A, p.Val753= (NM_001353949.2, NM_001353950.2, NM_001353951.2 and 2 more transcripts); c.2256T>A, p.Val752= (NM_001353954.2, NM_001353955.2); c.2205T>A, p.Val735= (NM_001353960.2); c.-167T>A (NM_001353961.2).
Identifiers: ClinVar variation 138975 (VCV000138975.9), dbSNP rs6432860, ClinGen allele CA293166.

ClinVar aggregate classification (germline): Benign/Likely benign. Review status: criteria provided, multiple submitters, no conflicts (2 of 4 stars). 2 submissions from 2 submitters: Benign (1); Likely benign (1). Last evaluated 2024-02-20.

Conditions:
Early-infantile DEE. Also called: Early infantile epileptic encephalopathy with suppression bursts; Ohtahara syndrome; Early infantile epileptic encephalopathy. Identifiers: Orphanet 1934, MedGen C0393706, MONDO:0800491.

gnomAD v4.1: 5 of 1,613,462 alleles (0.00031%); highest among the groups gnomAD compares: Middle Eastern, 0.017%; no homozygotes.

Submissions (2):

Labcorp Genetics (formerly Invitae), Labcorp
Classification: Likely benign for Early-infantile DEE. Last evaluated: 2024-02-20. Review status: criteria provided, single submitter. Criteria: Invitae Variant Classification Sherloc (09022015). Collection method: clinical testing. Allele origin: germline.

GeneDx
Classification: Benign. Last evaluated: 2013-09-18. Review status: criteria provided, single submitter. Criteria: GeneDx Variant Classification (06012015). Collection method: clinical testing. Allele origin: germline. Affected: yes.
Comment: This variant is considered likely benign or benign based on one or more of the following criteria: it is a conservative change, it occurs at a poorly conserved position in the protein, it is predicted to be benign by multiple in silico algorithms, and/or has population frequency not consistent with disease.